The following is an entry in ClinVar:

NM_006939.4(SOS2):c.3741C>G (p.Asp1247Glu)

Gene: SOS2 (SOS Ras/Rho guanine nucleotide exchange factor 2; minus strand). Cytogenetic location: 14q21.3.
Variant type: single nucleotide variant.
Coding change: c.3741C>G on transcript NM_006939.4 (MANE Select); coding-DNA position 3741, C replaced by G.
Protein change: p.Asp1247Glu; replaces aspartic acid 1247 with glutamic acid.
Molecular consequence: missense variant.
Genome position (GRCh38, 1-based): chr14:50,118,602, G>C on the plus strand (C>G on the coding strand, the complement: SOS2 is on the minus strand). VCF-style: chr14-50118602-G-C. GRCh37 (hg19) VCF-style: chr14-50585320-G-C.
Other names: short protein forms D1247E.
Identifiers: ClinVar variation 855855 (VCV000855855.9), dbSNP rs1883393016, ClinGen allele CA389637998.

ClinVar aggregate classification (germline): Uncertain significance (1 of 4 stars; one submission).

Conditions:
Noonan syndrome 9 (NS9). Identifiers: Orphanet 648, MedGen C4225282, MONDO:0014691, OMIM 616559.

Submission:

Labcorp Genetics (formerly Invitae), Labcorp
Classification: Uncertain significance for Noonan syndrome 9. Last evaluated: 2026-01-04. Review status: criteria provided, single submitter. Criteria: Invitae Variant Classification Sherloc (09022015). Collection method: clinical testing. Allele origin: germline.
Comment: This sequence change replaces aspartic acid, which is acidic and polar, with glutamic acid, which is acidic and polar, at codon 1247 of the SOS2 protein (p.Asp1247Glu). This variant is not present in population databases (gnomAD no frequency). This variant has not been reported in the literature in individuals affected with SOS2-related conditions. ClinVar contains an entry for this variant (Variation ID: 855855). Invitae Evidence Modeling of protein sequence and biophysical properties (such as structural, functional, and spatial information, amino acid conservation, physicochemical variation, residue mobility, and thermodynamic stability) indicates that this missense variant is not expected to disrupt SOS2 protein function with a negative predictive value of 95%. In summary, the available evidence is currently insufficient to determine the role of this variant in disease. Therefore, it has been classified as a Variant of Uncertain Significance.